The following is an entry in ClinVar:

NM_177438.3(DICER1):c.4174A>T (p.Ser1392Cys)

Gene: DICER1 (dicer 1, ribonuclease III; minus strand). Cytogenetic location: 14q32.13.
Variant type: single nucleotide variant.
Coding change: c.4174A>T on transcript NM_177438.3 (MANE Select); coding-DNA position 4174, A replaced by T.
Protein change: p.Ser1392Cys; replaces serine 1392 with cysteine.
Molecular consequence: missense variant. On other transcripts: non-coding transcript variant (6).
Genome position (GRCh38, 1-based): chr14:95,099,812, T>A on the plus strand (A>T on the coding strand, the complement: DICER1 is on the minus strand). VCF-style: chr14-95099812-T-A. GRCh37 (hg19) VCF-style: chr14-95566149-T-A.
Other names: c.4174A>T, p.Ser1392Cys (NM_001395681.1, NM_001395682.1, NM_001395683.1 and 13 more transcripts); c.3892A>T, p.Ser1298Cys (NM_001395686.1); c.3769A>T, p.Ser1257Cys (NM_001395687.1, NM_001395688.1, NM_001395689.1 and 2 more transcripts); c.3607A>T, p.Ser1203Cys (NM_001395691.1); c.2491A>T, p.Ser831Cys (NM_001395697.1); short protein forms S1203C, S1257C, S1298C, S1392C, S831C.
Identifiers: ClinVar variation 1738438 (VCV001738438.6), dbSNP rs1890714787, ClinGen allele CA390871825.
Genomic context (GRCh38, chr14:95,099,812, plus strand): 5'-ACACACACACACACACACACAAACTTACCATTTCATCTTTTTCCCATTTATCTGTGTTGC[T>A]TTTGTCTTGATTTACTACATAACCAGGAGGAAGCCAATTCACAGGGGGATCAAATATTGA-3'
Protein context (NP_803187.1, residues 1382-1402): PPGYVVNQDK[Ser1392Cys]NTDKWEKDEM

ClinVar aggregate classification (germline): Uncertain significance. Review status: criteria provided, multiple submitters, no conflicts (2 of 4 stars). 2 submissions from 2 submitters: Uncertain significance (2). Last evaluated 2023-12-08.

Conditions:
DICER1-related tumor predisposition. Also called: DICER1 syndrome; DICER1-related pleuropulmonary blastoma cancer predisposition syndrome. Identifiers: Orphanet 284343, MedGen C3839822, MONDO:0100216.
Hereditary cancer-predisposing syndrome. Also called: Neoplastic Syndromes, Hereditary; Tumor predisposition; Hereditary Cancer Syndrome; Hereditary neoplastic syndrome. Identifiers: Orphanet 140162, MedGen C0027672, MeSH D009386, MONDO:0015356.

Allele frequency attached by ClinVar (database versions not stated): gnomAD exomes below 0.00001; TOPMed below 0.00001; gnomAD 0.00001.
gnomAD v4.1: 2 of 1,613,758 alleles (0.00012%); highest among the groups gnomAD compares: Admixed American, 0.0017%; no homozygotes.

Submissions (2):

Labcorp Genetics (formerly Invitae), Labcorp
Classification: Uncertain significance for DICER1-related tumor predisposition. Last evaluated: 2023-12-08. Review status: criteria provided, single submitter. Criteria: Invitae Variant Classification Sherloc (09022015). Collection method: clinical testing. Allele origin: germline.
Comment: This sequence change replaces serine, which is neutral and polar, with cysteine, which is neutral and slightly polar, at codon 1392 of the DICER1 protein (p.Ser1392Cys). This variant is not present in population databases (gnomAD no frequency). This variant has not been reported in the literature in individuals affected with DICER1-related conditions. ClinVar contains an entry for this variant (Variation ID: 1738438). Advanced modeling of protein sequence and biophysical properties (such as structural, functional, and spatial information, amino acid conservation, physicochemical variation, residue mobility, and thermodynamic stability) performed at Invitae indicates that this missense variant is not expected to disrupt DICER1 protein function with a negative predictive value of 80%. In summary, the available evidence is currently insufficient to determine the role of this variant in disease. Therefore, it has been classified as a Variant of Uncertain Significance.

Ambry Genetics
Classification: Uncertain significance for Hereditary cancer-predisposing syndrome. Last evaluated: 2023-06-27. Review status: criteria provided, single submitter. Criteria: Ambry Variant Classification Scheme 2023. Collection method: clinical testing. Allele origin: germline.
Comment: The p.S1392C variant (also known as c.4174A>T), located in coding exon 21 of the DICER1 gene, results from an A to T substitution at nucleotide position 4174. The serine at codon 1392 is replaced by cysteine, an amino acid with dissimilar properties. This amino acid position is highly conserved in available vertebrate species. In addition, the in silico prediction for this alteration is inconclusive. Since supporting evidence is limited at this time, the clinical significance of this alteration remains unclear.